The following is an entry in ClinVar:

NM_145176.3(SLC2A12):c.1740C>T (p.His580=)

Gene: SLC2A12 (solute carrier family 2 member 12; minus strand). Cytogenetic location: 6q23.2.
Variant type: single nucleotide variant.
Coding change: c.1740C>T on transcript NM_145176.3 (MANE Select); coding-DNA position 1740, C replaced by T.
Protein change: p.His580=; no amino-acid change (histidine 580 retained).
Molecular consequence: synonymous variant.
Genome position (GRCh38, 1-based): chr6:133,991,269, G>A on the plus strand (C>T on the coding strand, the complement: SLC2A12 is on the minus strand). VCF-style: chr6-133991269-G-A. GRCh37 (hg19) VCF-style: chr6-134312407-G-A.
Identifiers: ClinVar variation 3772449 (VCV003772449.13).

ClinVar aggregate classification (germline): Likely benign (1 of 4 stars; one submission).

gnomAD v4.1: 1 of 1,613,926 alleles (0.000062%); highest among the groups gnomAD compares: Non-Finnish European, 0.000085%; no homozygotes.

Submission:

CeGaT Center for Human Genetics Tuebingen
Classification: Likely benign. Last evaluated: 2025-02-01. Review status: criteria provided, single submitter. Criteria: CeGaT Center For Human Genetics Tuebingen Variant Classification Criteria Version 2. Collection method: clinical testing. Allele origin: germline. Affected: yes. Observed: 1 variant allele.
Comment: SLC2A12: BP4, BP7